The following is an entry in ClinVar:

ClinVar aggregate classification (germline): Benign. Review status: criteria provided, multiple submitters, no conflicts (2 of 4 stars). 4 submissions from 4 submitters: Benign (3). 1 of the submissions does not count toward it. Last evaluated 2025-03-04.

Allele frequency attached by ClinVar (database versions not stated): gnomAD exomes 0.00728; 1000 Genomes Project 0.03395; 1000 Genomes Project 30x 0.03763; ExAC 0.00861; gnomAD 0.02898 and 0.03101; ESP Exome Variant Server 0.03125; TOPMed 0.03315.
gnomAD v4.1: 8,568 of 1,606,758 alleles (0.53%); highest among the groups gnomAD compares: African/African-American, 9.9%; 383 homozygotes.

Submissions (4):

Center for Genomic Medicine, Rigshospitalet, Copenhagen University Hospital
Classification: Benign. Last evaluated: 2025-03-04. Review status: criteria provided, single submitter. Criteria: ACMG Guidelines, 2015. Collection method: clinical testing. Allele origin: germline.

GeneDx
Classification: Benign. Last evaluated: 2018-06-18. Review status: criteria provided, single submitter. Criteria: GeneDx Variant Classification (06012015). Collection method: clinical testing. Allele origin: germline. Affected: yes.
Comment: This variant is considered likely benign or benign based on one or more of the following criteria: it is a conservative change, it occurs at a poorly conserved position in the protein, it is predicted to be benign by multiple in silico algorithms, and/or has population frequency not consistent with disease.

Breakthrough Genomics
Classification: Benign. Review status: criteria provided, single submitter. Criteria: ACMG Guidelines, 2015. Collection method: not provided. Allele origin: germline. Inheritance: Autosomal recessive inheritance. Affected: yes.

ITMI
No classification provided. Condition: AllHighlyPenetrant. Last evaluated: 2013-09-19. Review status: no classification provided. Collection method: reference population. Allele origin: germline. Not counted in ClinVar's aggregate classification.
Comment: Please see associated publication for description of ethnicities

Literature cited by the submitters: PubMed 24728327 (cited by ITMI).

NM_000245.4(MET):c.1701+25A>G

Gene: MET (MET proto-oncogene, receptor tyrosine kinase; plus strand). Cytogenetic location: 7q31.2.
Variant type: single nucleotide variant.
Coding change: c.1701+25A>G on transcript NM_000245.4 (MANE Select); 25 bases into the intron after coding-DNA position 1701, A replaced by G.
Molecular consequence: intron variant.
Genome position (GRCh38, 1-based): chr7:116,741,050, A>G. VCF-style: chr7-116741050-A-G. GRCh37 (hg19) VCF-style: chr7-116381104-A-G.
Other names: c.1701+25A>G (NM_001127500.3, NM_001324401.3); c.411+25A>G (NM_001324402.2).
Identifiers: ClinVar variation 135556 (VCV000135556.9), dbSNP rs73469198, ClinGen allele CA163012.